The following is an entry in ClinVar:

ClinVar aggregate classification (germline): Uncertain significance (1 of 4 stars; one submission).

Submission:

GeneDx
Classification: Uncertain significance. Last evaluated: 2026-01-30. Review status: criteria provided, single submitter. Criteria: GeneDx Variant Classification Process June 2021. Collection method: clinical testing. Allele origin: germline.
Comment: Not observed at significant frequency in large population cohorts (gnomAD); In silico analysis supports that this missense variant has a deleterious effect on protein structure/function; Has not been previously published as pathogenic or benign to our knowledge

NM_001080517.3(SETD5):c.287G>A (p.Gly96Asp)

Gene: SETD5 (SET domain containing 5; plus strand). Cytogenetic location: 3p25.3.
Variant type: single nucleotide variant.
Coding change: c.287G>A on transcript NM_001080517.3 (MANE Select); coding-DNA position 287, G replaced by A.
Protein change: p.Gly96Asp; replaces glycine 96 with aspartic acid.
Molecular consequence: missense variant. On other transcripts: 5 prime UTR variant (2).
Genome position (GRCh38, 1-based): chr3:9,434,443, G>A. VCF-style: chr3-9434443-G-A. GRCh37 (hg19) VCF-style: chr3-9476127-G-A.
Other names: c.-47G>A (NM_001292043.2); c.-88G>A (NM_001349451.2); c.344G>A, p.Gly115Asp (NM_001437633.1, NM_001437635.1); c.287G>A, p.Gly96Asp (NM_001437643.1, NM_001437701.1); short protein forms G115D, G96D.
Identifiers: ClinVar variation 4975797 (VCV004975797.1).
Genomic context (GRCh38, chr3:9,434,443, plus strand): 5'-AACGCTGTGGAGACAGCCCGAACTCTGAAGGAGAAACTGTACCTACCTGGTGTCCTTGTG[G>A]TCTTTCTCAGGATGGCTTCCTTCTCAACTGTGACAAGTGCAGGTAAGATCCTGTTCCATC-3'
Protein context (NP_001073986.1, residues 86-106): GETVPTWCPC[Gly96Asp]LSQDGFLLNC